The following is an entry in ClinVar:

ClinVar aggregate classification (germline): Uncertain significance (1 of 4 stars; one submission).

Submission:

Labcorp Genetics (formerly Invitae), Labcorp
Classification: Uncertain significance. Last evaluated: 2022-05-20. Review status: criteria provided, single submitter. Criteria: Invitae Variant Classification Sherloc (09022015). Collection method: clinical testing. Allele origin: germline.
Comment: In summary, the available evidence is currently insufficient to determine the role of this variant in disease. Therefore, it has been classified as a Variant of Uncertain Significance. Algorithms developed to predict the effect of missense changes on protein structure and function are either unavailable or do not agree on the potential impact of this missense change (SIFT: "Deleterious"; PolyPhen-2: "Possibly Damaging"; Align-GVGD: "Class C0"). This variant has not been reported in the literature in individuals affected with PNPLA8-related conditions. This variant is not present in population databases (gnomAD no frequency). This sequence change replaces alanine, which is neutral and non-polar, with serine, which is neutral and polar, at codon 639 of the PNPLA8 protein (p.Ala639Ser).

NM_001256007.3(PNPLA8):c.1915G>T (p.Ala639Ser)

Gene: PNPLA8 (patatin like domain 8, phospholipase A2; minus strand). Cytogenetic location: 7q31.1.
Variant type: single nucleotide variant.
Coding change: c.1915G>T on transcript NM_001256007.3 (MANE Select); coding-DNA position 1915, G replaced by T.
Protein change: p.Ala639Ser; replaces alanine 639 with serine.
Molecular consequence: missense variant.
Genome position (GRCh38, 1-based): chr7:108,479,343, C>A on the plus strand (G>T on the coding strand, the complement: PNPLA8 is on the minus strand). VCF-style: chr7-108479343-C-A. GRCh37 (hg19) VCF-style: chr7-108119787-C-A.
Other names: c.1915G>T, p.Ala639Ser (NM_001256008.3, NM_015723.5); c.1729G>T, p.Ala577Ser (NM_001256009.3); c.1615G>T, p.Ala539Ser (NM_001256010.3, NM_001256011.3); short protein forms A577S, A539S, A639S.
Identifiers: ClinVar variation 2095990 (VCV002095990.4), dbSNP rs2552109860, ClinGen allele CA368892378.
Genomic context (GRCh38, chr7:108,479,343, plus strand): 5'-CCAGGGATACTATGCACTCTAACGGCACATCTGGCCAAAGACATTTACACTCATGCATAG[C>A]TAATGCCGAAGGGTTATTCAGAAGCAAACCTCCATCCTGCAAAATACAAGTTAAAAAAAG-3'
Protein context (NP_001242936.1, residues 629-649): GLLLNNPSAL[Ala639Ser]MHECKCLWPD